The following is an entry in ClinVar:

ClinVar aggregate classification (germline): Uncertain significance (1 of 4 stars; one submission).

Allele frequency attached by ClinVar (database versions not stated): gnomAD exomes 0.00003 and 0.00010; TOPMed 0.00004; ExAC 0.00022; gnomAD 0.00003.
gnomAD v4.1: 49 of 1,569,390 alleles (0.0031%); highest among the groups gnomAD compares: Middle Eastern, 0.017%; no homozygotes.

Submission:

Labcorp Genetics (formerly Invitae), Labcorp
Classification: Uncertain significance. Last evaluated: 2022-01-01. Review status: criteria provided, single submitter. Criteria: Invitae Variant Classification Sherloc (09022015). Collection method: clinical testing. Allele origin: germline.
Comment: This sequence change replaces arginine, which is basic and polar, with tryptophan, which is neutral and slightly polar, at codon 340 of the DEF6 protein (p.Arg340Trp). This variant is present in population databases (rs781536018, gnomAD 0.2%). This variant has not been reported in the literature in individuals affected with DEF6-related conditions. Algorithms developed to predict the effect of missense changes on protein structure and function are either unavailable or do not agree on the potential impact of this missense change (SIFT: "Deleterious"; PolyPhen-2: "Benign"; Align-GVGD: "Class C0"). In summary, the available evidence is currently insufficient to determine the role of this variant in disease. Therefore, it has been classified as a Variant of Uncertain Significance.

NM_022047.4(DEF6):c.1018C>T (p.Arg340Trp)

Gene: DEF6 (DEF6 guanine nucleotide exchange factor; plus strand). Cytogenetic location: 6p21.31.
Variant type: single nucleotide variant.
Coding change: c.1018C>T on transcript NM_022047.4 (MANE Select); coding-DNA position 1018, C replaced by T.
Protein change: p.Arg340Trp; replaces arginine 340 with tryptophan.
Molecular consequence: missense variant.
Genome position (GRCh38, 1-based): chr6:35,318,274, C>T. VCF-style: chr6-35318274-C-T. GRCh37 (hg19) VCF-style: chr6-35286051-C-T.
Other names: short protein forms R340W.
Identifiers: ClinVar variation 1404706 (VCV001404706.3), dbSNP rs781536018, ClinGen allele CA3770870.